The following is an entry in ClinVar:

ClinVar aggregate classification (germline): Uncertain significance (1 of 4 stars; one submission).

Conditions:
Long QT syndrome (LQTS). Identifiers: MedGen C0023976, MeSH D008133, MONDO:0002442. Disease mechanism: loss of function. Inheritance: Various modes of inheritance.

Allele frequency attached by ClinVar (database versions not stated): gnomAD exomes below 0.00001.
gnomAD v4.1: 2 of 1,611,594 alleles (0.00012%); highest among the groups gnomAD compares: South Asian, 0.0011%; no homozygotes.

Submission:

Labcorp Genetics (formerly Invitae), Labcorp
Classification: Uncertain significance for Long QT syndrome. Last evaluated: 2024-04-03. Review status: criteria provided, single submitter. Criteria: Invitae Variant Classification Sherloc (09022015). Collection method: clinical testing. Allele origin: germline.
Comment: This sequence change replaces alanine, which is neutral and non-polar, with valine, which is neutral and non-polar, at codon 142 of the CACNA1C protein (p.Ala142Val). This variant is present in population databases (no rsID available, gnomAD 0.0009%). This variant has not been reported in the literature in individuals affected with CACNA1C-related conditions. Advanced modeling of protein sequence and biophysical properties (such as structural, functional, and spatial information, amino acid conservation, physicochemical variation, residue mobility, and thermodynamic stability) performed at Invitae indicates that this missense variant is expected to disrupt CACNA1C protein function with a positive predictive value of 95%. In summary, the available evidence is currently insufficient to determine the role of this variant in disease. Therefore, it has been classified as a Variant of Uncertain Significance.

NM_000719.7(CACNA1C):c.425C>T (p.Ala142Val)

Gene: CACNA1C (calcium voltage-gated channel subunit alpha1 C; plus strand). Cytogenetic location: 12p13.33.
Variant type: single nucleotide variant.
Coding change: c.425C>T on transcript NM_000719.7 (MANE Select); coding-DNA position 425, C replaced by T.
Protein change: p.Ala142Val; replaces alanine 142 with valine.
Molecular consequence: missense variant.
Genome position (GRCh38, 1-based): chr12:2,120,378, C>T. VCF-style: chr12-2120378-C-T. GRCh37 (hg19) VCF-style: chr12-2229544-C-T.
Other names: c.425C>T, p.Ala142Val (NM_001129832.2, NM_001129833.2, NM_001129834.2 and 19 more transcripts); short protein forms A142V.
Identifiers: ClinVar variation 2891900 (VCV002891900.3), dbSNP rs1367490325, ClinGen allele CA383653689.